The following is an entry in ClinVar:

NM_007294.4(BRCA1):c.2912_2913del (p.His971fs)

Gene: BRCA1 (BRCA1 DNA repair associated; minus strand). Cytogenetic location: 17q21.31.
Variant type: Deletion.
Coding change: c.2912_2913del on transcript NM_007294.4 (MANE Select); coding-DNA positions 2912 to 2913, 2 bases deleted (AT; older notation c.2912_2913delAT).
Protein change: p.His971fs; shifts the reading frame from histidine 971.
Molecular consequence: frameshift variant. On other transcripts: intron variant (137).
Genome position (GRCh38, 1-based): chr17:43,092,618-43,092,619, AT deleted on the plus strand (AT on the coding strand, the reverse complement: BRCA1 is on the minus strand). VCF-style (leftmost placement, unchanged base first): chr17-43092617-CAT-C. GRCh37 (hg19) VCF-style: chr17-41244634-CAT-C.
Other names: c.2699_2700del, p.His900fs (NM_001407571.1, NM_001407853.1, NM_001407894.1 and 9 more transcripts); c.2912_2913del, p.His971fs (NM_001407581.1, NM_001407582.1, NM_001407583.1 and 30 more transcripts); c.2909_2910del, p.His970fs (NM_001407587.1, NM_001407590.1, NM_001407591.1 and 22 more transcripts); c.2786_2787del, p.His929fs (NM_001407649.1, NM_001407670.1, NM_001407671.1 and 11 more transcripts); c.2834_2835del, p.His945fs (NM_001407653.1, NM_001407654.1, NM_001407655.1 and 4 more transcripts); c.2789_2790del, p.His930fs (NM_001407669.1, NM_001407674.1, NM_001407675.1 and 19 more transcripts); c.2771_2772del, p.His924fs (NM_001407692.1, NM_001407694.1, NM_001407695.1 and 29 more transcripts); c.2768_2769del, p.His923fs (NM_001407749.1, NM_001407838.1, NM_001407839.1 and 20 more transcripts); and 42 more; short protein forms H924fs, H971fs, H904fs, H882fs, H883fs, H923fs, H929fs, H930fs.
Identifiers: ClinVar variation 240783 (VCV000240783.15), dbSNP rs878854940, ClinGen allele CA10583571.

ClinVar aggregate classification (germline): Pathogenic. Review status: reviewed by expert panel (3 of 4 stars). 5 submissions from 5 submitters: Pathogenic (1). 4 of the submissions do not count toward it. Last evaluated 2017-12-15.

Conditions:
Hereditary cancer-predisposing syndrome. Also called: Hereditary Cancer Syndrome; Neoplastic Syndromes, Hereditary; Hereditary neoplastic syndrome; Tumor predisposition. Identifiers: Orphanet 140162, MedGen C0027672, MeSH D009386, MONDO:0015356.
Hereditary breast ovarian cancer syndrome. Also called: Hereditary breast and ovarian cancer syndrome (HBOC); Breast and ovarian cancer; Hereditary breast and ovarian cancer syndrome; Hereditary breast and ovarian cancer; BRCA1- and BRCA2-Associated Hereditary Breast and Ovarian Cancer; Hereditary breast and/or ovarian cancer syndrome. Identifiers: Orphanet 145, MedGen C0677776, MeSH D061325, MONDO:0003582. Disease mechanism: loss of function.
Breast-ovarian cancer, familial, susceptibility to, 1 (BROVCA1). Also called: BRCA1 Hereditary Breast and Ovarian Cancer; OVARIAN CANCER, SUSCEPTIBILITY TO. Identifiers: Orphanet 145, MedGen C2676676, MONDO:0011450, OMIM 604370. Disease mechanism: loss of function.

Allele frequency attached by ClinVar (database versions not stated): gnomAD exomes below 0.00001.

Submissions (5):

Evidence-based Network for the Interpretation of Germline Mutant Alleles (ENIGMA)
Classification: Pathogenic for Breast-ovarian cancer, familial, susceptibility to, 1. Last evaluated: 2017-12-15. Review status: reviewed by expert panel. Criteria: ENIGMA BRCA1/2 Classification Criteria (2017-06-29). Collection method: curation. Allele origin: germline. Study: ENIGMA.
Comment: Variant allele predicted to encode a truncated non-functional protein.

Ambry Genetics
Classification: Pathogenic for Hereditary cancer-predisposing syndrome. Last evaluated: 2026-03-09. Review status: criteria provided, single submitter. Criteria: Ambry Variant Classification Scheme 2023. Collection method: clinical testing. Allele origin: germline. Not counted in ClinVar's aggregate classification.
Comment: The c.2912_2913delAT (p.H971Rfs*20) alteration, located in exon 10 (coding exon 9) of the BRCA1 gene, consists of a deletion of 2 nucleotides from position 2912 to 2913, causing a translational frameshift with a predicted alternate stop codon after 20 amino acids. This variant is expected to result in loss of function by premature protein truncation or nonsense-mediated mRNA decay. This variant was not reported in population-based cohorts in the Genome Aggregation Database (gnomAD). Based on the available evidence, this alteration is classified as pathogenic.

Labcorp Genetics (formerly Invitae), Labcorp
Classification: Pathogenic for Hereditary breast ovarian cancer syndrome. Last evaluated: 2025-09-14. Review status: criteria provided, single submitter. Criteria: Invitae Variant Classification Sherloc (09022015). Collection method: clinical testing. Allele origin: germline. Not counted in ClinVar's aggregate classification.
Comment: This sequence change creates a premature translational stop signal (p.His971Argfs*20) in the BRCA1 gene. It is expected to result in an absent or disrupted protein product. Loss-of-function variants in BRCA1 are known to be pathogenic (PMID: 20104584). This variant is not present in population databases (gnomAD no frequency). This variant has not been reported in the literature in individuals affected with BRCA1-related conditions. ClinVar contains an entry for this variant (Variation ID: 240783). For these reasons, this variant has been classified as Pathogenic.

Baylor Genetics
Classification: Likely pathogenic for Breast-ovarian cancer, familial, susceptibility to, 1. Last evaluated: 2023-01-30. Review status: criteria provided, single submitter. Criteria: ACMG Guidelines, 2015. Collection method: clinical testing. Allele origin: unknown. Not counted in ClinVar's aggregate classification.

GeneDx
Classification: Pathogenic. Last evaluated: 2016-06-06. Review status: criteria provided, single submitter. Criteria: GeneDx Variant Classification (06012015). Collection method: clinical testing. Allele origin: germline. Affected: yes. Not counted in ClinVar's aggregate classification.
Comment: This deletion of 2 nucleotides in BRCA1 is denoted c.2912_2913delAT at the cDNA level and p.His971ArgfsX20 (H971RfsX20) at the protein level. The normal sequence, with the bases that are deleted in braces, is AAAC[AT]GGAC. The deletion causes a frameshift which changes a Histidine to an Arginine at codon 971, and creates a premature stop codon at position 20 of the new reading frame. Although this variant has not, to our knowledge, been reported in the literature, it is predicted to cause loss of normal protein function through either protein truncation or nonsense-mediated mRNA decay. We consider this variant to be pathogenic.

Literature cited by the submitters: PubMed 20104584 (cited by Labcorp Genetics (formerly Invitae), Labcorp).